The following is an entry in ClinVar:

ClinVar aggregate classification (germline): Conflicting classifications of pathogenicity. Review status: criteria provided, conflicting classifications (1 of 4 stars). 5 submissions from 5 submitters: Uncertain significance (3); Likely benign (2). Last evaluated 2026-02-01.

Conditions:
Progressive external ophthalmoplegia with mitochondrial DNA deletions, autosomal dominant 4. Also called: PROGRESSIVE EXTERNAL OPHTHALMOPLEGIA, AUTOSOMAL DOMINANT 4. Identifiers: MedGen C1864668, MONDO:0012415, OMIM 610131.

Allele frequency attached by ClinVar (database versions not stated): ESP Exome Variant Server 0.00008; gnomAD 0.00009 and 0.00010; ExAC 0.00012; gnomAD exomes 0.00012 and 0.00013; TOPMed 0.00013.
gnomAD v4.1: 185 of 1,608,454 alleles (0.012%); highest among the groups gnomAD compares: Middle Eastern, 0.049%; 1 homozygote.

Submissions (5):

CeGaT Center for Human Genetics Tuebingen
Classification: Likely benign. Last evaluated: 2026-02-01. Review status: criteria provided, single submitter. Criteria: CeGaT Center For Human Genetics Tuebingen Variant Classification Criteria Version 2. Collection method: clinical testing. Allele origin: germline. Affected: yes. Observed: 2 variant alleles.
Comment: POLG2: BP4

GeneDx
Classification: Uncertain significance. Last evaluated: 2026-01-07. Review status: criteria provided, single submitter. Criteria: GeneDx Variant Classification Process June 2021. Collection method: clinical testing. Allele origin: germline. Affected: yes.
Comment: Has not been previously published as pathogenic or benign to our knowledge; In silico analysis suggests that this missense variant does not alter protein structure/function

Labcorp Genetics (formerly Invitae), Labcorp
Classification: Uncertain significance. Last evaluated: 2025-12-31. Review status: criteria provided, single submitter. Criteria: Invitae Variant Classification Sherloc (09022015). Collection method: clinical testing. Allele origin: germline.
Comment: This sequence change replaces glutamine, which is neutral and polar, with glutamic acid, which is acidic and polar, at codon 166 of the POLG2 protein (p.Gln166Glu). This variant is present in population databases (rs370683331, gnomAD 0.02%). This variant has not been reported in the literature in individuals affected with POLG2-related conditions. ClinVar contains an entry for this variant (Variation ID: 324560). An algorithm developed to predict the effect of missense changes on protein structure and function outputs the following: PolyPhen-2: "Benign". The glutamic acid amino acid residue is found in multiple mammalian species, which suggests that this missense change does not adversely affect protein function. In summary, the available evidence is currently insufficient to determine the role of this variant in disease. Therefore, it has been classified as a Variant of Uncertain Significance.

Ambry Genetics
Classification: Uncertain significance. Last evaluated: 2023-11-03. Review status: criteria provided, single submitter. Criteria: Ambry Variant Classification Scheme 2023. Collection method: clinical testing. Allele origin: germline.

Illumina Laboratory Services, Illumina
Classification: Likely benign for Progressive external ophthalmoplegia with mitochondrial DNA deletions, autosomal dominant 4. Last evaluated: 2018-01-13. Review status: criteria provided, single submitter. Criteria: ICSL Variant Classification Criteria 13 December 2019. Collection method: clinical testing. Allele origin: germline.
Comment: This variant was observed in the ICSL laboratory as part of a predisposition screen in an ostensibly healthy population. It had not been previously curated by ICSL or reported in the Human Gene Mutation Database (HGMD: prior to June 1st, 2018), and was therefore a candidate for classification through an automated scoring system. Utilizing variant allele frequency, disease prevalence and penetrance estimates, and inheritance mode, an automated score was calculated to assess if this variant is too frequent to cause the disease. Based on the score and internal cut-off values, a variant classified as likely benign is not then subjected to further curation. The score for this variant resulted in a classification of likely benign for this disease.

NM_007215.4(POLG2):c.496C>G (p.Gln166Glu)

Genes: MILR1 (mast cell immunoglobulin like receptor 1; plus strand), POLG2 (DNA polymerase gamma 2, accessory subunit; minus strand). Cytogenetic location: 17q23.3.
Variant type: single nucleotide variant.
Coding change: c.496C>G on transcript NM_007215.4 (MANE Select); coding-DNA position 496, C replaced by G.
Protein change: p.Gln166Glu; replaces glutamine 166 with glutamic acid.
Molecular consequence: missense variant.
Genome position (GRCh38, 1-based): chr17:64,496,473, G>C on the plus strand (C>G on the coding strand, the complement: POLG2 is on the minus strand). VCF-style: chr17-64496473-G-C. GRCh37 (hg19) VCF-style: chr17-62492591-G-C.
Other names: short protein forms Q166E.
Identifiers: ClinVar variation 324560 (VCV000324560.29), dbSNP rs370683331, ClinGen allele CA8713012.
Genomic context (GRCh38, chr17:64,496,473, plus strand): 5'-GAAGGTTCTCCCGTAGTTTCCCAGAAGTTTTTAATACGTTCTCAAGAAATGCTACTAGCT[G>C]TTCCTTACTCAGCTCTTTGTCTTGCAAGATTTCGCGTAGAGTTTCTGCAGAAACTAACCT-3'
Protein context (NP_009146.2, residues 156-176): ILQDKELSKE[Gln166Glu]LVAFLENVLK